The following is an entry in ClinVar:

ClinVar aggregate classification (germline): Uncertain significance (1 of 4 stars; one submission).

Conditions:
5-Oxoprolinase deficiency (OPLAHD). Also called: 5-OXOPROLINURIA DUE TO 5-OXOPROLINASE DEFICIENCY. Identifiers: Orphanet 33572, MedGen C0268525, MONDO:0009825, OMIM 260005, HP:0040142.

Allele frequency attached by ClinVar (database versions not stated): gnomAD exomes 0.00002; ExAC 0.00003; TOPMed 0.00008; gnomAD 0.00009.
gnomAD v4.1: 44 of 1,606,772 alleles (0.0027%); highest among the groups gnomAD compares: African/African-American, 0.025%; no homozygotes.

Submission:

Labcorp Genetics (formerly Invitae), Labcorp
Classification: Uncertain significance for 5-Oxoprolinase deficiency. Last evaluated: 2022-08-19. Review status: criteria provided, single submitter. Criteria: Invitae Variant Classification Sherloc (09022015). Collection method: clinical testing. Allele origin: germline.
Comment: This sequence change replaces glycine, which is neutral and non-polar, with arginine, which is basic and polar, at codon 655 of the OPLAH protein (p.Gly655Arg). This variant is present in population databases (rs111560469, gnomAD 0.01%). This variant has not been reported in the literature in individuals affected with OPLAH-related conditions. Algorithms developed to predict the effect of missense changes on protein structure and function are either unavailable or do not agree on the potential impact of this missense change (SIFT: "Not Available"; PolyPhen-2: "Benign"; Align-GVGD: "Not Available"). In summary, the available evidence is currently insufficient to determine the role of this variant in disease. Therefore, it has been classified as a Variant of Uncertain Significance.

NM_017570.5(OPLAH):c.1963G>A (p.Gly655Arg)

Gene: OPLAH (5-oxoprolinase, ATP-hydrolysing; minus strand). Cytogenetic location: 8q24.3.
Variant type: single nucleotide variant.
Coding change: c.1963G>A on transcript NM_017570.5 (MANE Select); coding-DNA position 1963, G replaced by A.
Protein change: p.Gly655Arg; replaces glycine 655 with arginine.
Molecular consequence: missense variant.
Genome position (GRCh38, 1-based): chr8:144,056,405, C>T on the plus strand (G>A on the coding strand, the complement: OPLAH is on the minus strand). VCF-style: chr8-144056405-C-T. GRCh37 (hg19) VCF-style: chr8-145111308-C-T.
Other names: short protein forms G655R.
Identifiers: ClinVar variation 2063040 (VCV002063040.3), dbSNP rs111560469, ClinGen allele CA4931647.
Genomic context (GRCh38, chr8:144,056,405, plus strand): 5'-CCATGGGTGCTGTCAGGCTGGCACAGGCAGGACCACCAACCTTGTCCACCCGGGGAGGCC[C>T]GGTCTGGGCTTTGGGGGCATCCTCGAGGCGAAGACCACTGCGGCCGGTGCCCCGCACTCG-3'
Protein context (NP_060040.1, residues 645-665): RLEDAPKAQT[Gly655Arg]PPRVDKMTQC